The following is an entry in ClinVar:

NM_025265.4(TSEN2):c.-297C>T

Genes: TSEN2 (tRNA splicing endonuclease subunit 2; plus strand), LOC129936171 (ATAC-STARR-seq lymphoblastoid active region 19441; plus strand). Cytogenetic location: 3p25.2.
Variant type: single nucleotide variant.
Coding change: c.-297C>T on transcript NM_025265.4 (MANE Select); 297 bases upstream of the start codon, C replaced by T.
Molecular consequence: 5 prime UTR variant. On other transcripts: intron variant (4).
Genome position (GRCh38, 1-based): chr3:12,484,601, C>T. VCF-style: chr3-12484601-C-T. GRCh37 (hg19) VCF-style: chr3-12526100-C-T.
Other names: c.-45C>T (NM_001145392.2); c.-297C>T (NM_001321279.2); c.-18+84C>T (NM_001321278.2, NM_001321277.2, NM_001145393.3 and 1 more transcripts).
Identifiers: ClinVar variation 901984 (VCV000901984.4), dbSNP rs190941859, ClinGen allele CA69611729.

ClinVar aggregate classification (germline): Likely benign (1 of 4 stars; one submission).

Conditions:
Pontoneocerebellar hypoplasia. Also called: Non-syndromic pontocerebellar hypoplasia; Pontocerebellar hypoplasia. Identifiers: Orphanet 98523, MedGen C1261175, MONDO:0020135.

Allele frequency attached by ClinVar (database versions not stated): 1000 Genomes Project 30x 0.00359; TOPMed 0.00135; 1000 Genomes Project 0.00280.

Submission:

Illumina Laboratory Services, Illumina
Classification: Likely benign for Pontoneocerebellar hypoplasia. Last evaluated: 2018-01-12. Review status: criteria provided, single submitter. Criteria: ICSL Variant Classification Criteria 13 December 2019. Collection method: clinical testing. Allele origin: germline.
Comment: This variant was observed in the ICSL laboratory as part of a predisposition screen in an ostensibly healthy population. It had not been previously curated by ICSL or reported in the Human Gene Mutation Database (HGMD: prior to June 1st, 2018), and was therefore a candidate for classification through an automated scoring system. Utilizing variant allele frequency, disease prevalence and penetrance estimates, and inheritance mode, an automated score was calculated to assess if this variant is too frequent to cause the disease. Based on the score and internal cut-off values, a variant classified as likely benign is not then subjected to further curation. The score for this variant resulted in a classification of likely benign for this disease.